The following is an entry in ClinVar:

NM_001366385.1(CARD14):c.1676G>A (p.Arg559Gln)

Gene: CARD14 (caspase recruitment domain family member 14; plus strand). Cytogenetic location: 17q25.3.
Variant type: single nucleotide variant.
Coding change: c.1676G>A on transcript NM_001366385.1 (MANE Select); coding-DNA position 1676, G replaced by A.
Protein change: p.Arg559Gln; replaces arginine 559 with glutamine.
Molecular consequence: missense variant. On other transcripts: non-coding transcript variant (1).
Genome position (GRCh38, 1-based): chr17:80,198,416, G>A. VCF-style: chr17-80198416-G-A. GRCh37 (hg19) VCF-style: chr17-78172215-G-A.
Other names: c.1676G>A, p.Arg559Gln (NM_001257970.1, NM_024110.4); c.965G>A, p.Arg322Gln (NM_052819.3); short protein forms R322Q, R559Q.
Identifiers: ClinVar variation 1974112 (VCV001974112.5), dbSNP rs779663754, ClinGen allele CA8816950.

ClinVar aggregate classification (germline): Uncertain significance (1 of 4 stars; one submission).

Conditions:
Pityriasis rubra pilaris (PRP). Also called: Pityriasis rubra pilaris--familial type. Identifiers: Orphanet 2897, MedGen C0032027, MONDO:0100017, OMIM 173200, MONDO:0008251.
Psoriasis 2. Identifiers: MedGen C1864497, MONDO:0011269, OMIM 602723.

Allele frequency attached by ClinVar (database versions not stated): TOPMed below 0.00001; ExAC 0.00002; gnomAD exomes 0.00002.
gnomAD v4.1: 24 of 1,605,162 alleles (0.0015%); highest among the groups gnomAD compares: East Asian, 0.0022%; no homozygotes.

Submission:

Labcorp Genetics (formerly Invitae), Labcorp
Classification: Uncertain significance for Pityriasis rubra pilaris; Psoriasis 2. Last evaluated: 2024-09-26. Review status: criteria provided, single submitter. Criteria: Invitae Variant Classification Sherloc (09022015). Collection method: clinical testing. Allele origin: germline.
Comment: This sequence change replaces arginine, which is basic and polar, with glutamine, which is neutral and polar, at codon 559 of the CARD14 protein (p.Arg559Gln). This variant is present in population databases (rs779663754, gnomAD 0.002%). This variant has not been reported in the literature in individuals affected with CARD14-related conditions. ClinVar contains an entry for this variant (Variation ID: 1974112). Invitae Evidence Modeling of protein sequence and biophysical properties (such as structural, functional, and spatial information, amino acid conservation, physicochemical variation, residue mobility, and thermodynamic stability) indicates that this missense variant is expected to disrupt CARD14 protein function with a positive predictive value of 80%. In summary, the available evidence is currently insufficient to determine the role of this variant in disease. Therefore, it has been classified as a Variant of Uncertain Significance.